The following is an entry in ClinVar:

ClinVar aggregate classification (germline): Pathogenic (1 of 4 stars; one submission).

Conditions:
Popliteal pterygium syndrome (PPS). Identifiers: Orphanet 294963, MedGen C0265259, MONDO:0017435.
Orofacial cleft 6, susceptibility to (OFC6). Also called: CLEFT LIP WITH OR WITHOUT CLEFT PALATE, NONSYNDROMIC, 6. Identifiers: MedGen C1837213, MONDO:0012141, OMIM 608864.
Van der Woude syndrome. Identifiers: Orphanet 888, MedGen C0175697, MONDO:0019508.

Submission:

Labcorp Genetics (formerly Invitae), Labcorp
Classification: Pathogenic for Orofacial cleft 6, susceptibility to; Van der Woude syndrome; Popliteal pterygium syndrome. Last evaluated: 2021-02-17. Review status: criteria provided, single submitter. Criteria: Invitae Variant Classification Sherloc (09022015). Collection method: clinical testing. Allele origin: germline.
Comment: This sequence change creates a premature translational stop signal (p.Val108Glufs*7) in the IRF6 gene. It is expected to result in an absent or disrupted protein product. Loss-of-function variants in IRF6 are known to be pathogenic (PMID: 19282774, 23949966). This variant is not present in population databases (ExAC no frequency). For these reasons, this variant has been classified as Pathogenic. This variant has not been reported in the literature in individuals with IRF6-related conditions.

Literature cited by the submitters: PubMed 19282774; PubMed 23949966.

NM_006147.4(IRF6):c.321_322del (p.Val108fs)

Gene: IRF6 (interferon regulatory factor 6; minus strand). Cytogenetic location: 1q32.2.
Variant type: Deletion.
Coding change: c.321_322del on transcript NM_006147.4 (MANE Select); coding-DNA positions 321 to 322, 2 bases deleted (AG; older notation c.321_322delAG).
Protein change: p.Val108fs; shifts the reading frame from valine 108.
Molecular consequence: frameshift variant.
Genome position (GRCh38, 1-based): chr1:209,796,405-209,796,406, CT deleted on the plus strand (AG on the coding strand, the reverse complement: IRF6 is on the minus strand). VCF-style (leftmost placement, unchanged base first): chr1-209796404-ACT-A. GRCh37 (hg19) VCF-style: chr1-209969749-ACT-A.
Other names: c.36_37del, p.Val13fs (NM_001206696.2); short protein forms V108fs, V13fs.
Identifiers: ClinVar variation 1452687 (VCV001452687.6), dbSNP rs2102542809, ClinGen allele CA2573131481.